The following is an entry in ClinVar:

NM_000038.6(APC):c.3718A>G (p.Ser1240Gly)

Gene: APC (APC regulator of Wnt signaling pathway; plus strand). Cytogenetic location: 5q22.2.
Variant type: single nucleotide variant.
Coding change: c.3718A>G on transcript NM_000038.6 (MANE Select); coding-DNA position 3718, A replaced by G.
Protein change: p.Ser1240Gly; replaces serine 1240 with glycine.
Molecular consequence: missense variant.
Genome position (GRCh38, 1-based): chr5:112,839,312, A>G. VCF-style: chr5-112839312-A-G. GRCh37 (hg19) VCF-style: chr5-112175009-A-G.
Other names: c.3718A>G, p.Ser1240Gly (NM_001127510.3, NM_001354895.2); c.3664A>G, p.Ser1222Gly (NM_001127511.3); c.3772A>G, p.Ser1258Gly (NM_001354896.2); c.3748A>G, p.Ser1250Gly (NM_001354897.2); c.3643A>G, p.Ser1215Gly (NM_001354898.2); c.3634A>G, p.Ser1212Gly (NM_001354899.2); c.3595A>G, p.Ser1199Gly (NM_001354900.2); c.3541A>G, p.Ser1181Gly (NM_001354901.2); and 5 more; short protein forms S1222G, S1240G, S1114G, S1149G, S1181G, S1212G, S1215G, S957G.
Identifiers: ClinVar variation 537570 (VCV000537570.19), dbSNP rs1554085252, ClinGen allele CA16029491.

ClinVar aggregate classification (germline): Uncertain significance. Review status: criteria provided, multiple submitters, no conflicts (2 of 4 stars). 4 submissions from 4 submitters: Uncertain significance (4). Last evaluated 2025-10-22.

Conditions:
Hereditary cancer-predisposing syndrome. Also called: Tumor predisposition; Hereditary Cancer Syndrome; Hereditary neoplastic syndrome; Neoplastic Syndromes, Hereditary. Identifiers: Orphanet 140162, MedGen C0027672, MeSH D009386, MONDO:0015356.
Classic or attenuated familial adenomatous polyposis. Identifiers: MedGen CN372698, MONDO:0021057.
Familial adenomatous polyposis 1 (FAP1). Also called: FAMILIAL ADENOMATOUS POLYPOSIS 1, ATTENUATED; POLYPOSIS, ADENOMATOUS INTESTINAL. Identifiers: MedGen C2713442, MONDO:0021056, OMIM 175100. Disease mechanism: loss of function.

Allele frequency attached by ClinVar (database versions not stated): gnomAD exomes below 0.00001.
gnomAD v4.1: 1 of 1,614,006 alleles (0.000062%); highest among the groups gnomAD compares: Non-Finnish European, 0.000085%; no homozygotes.

Submissions (4):

Ambry Genetics
Classification: Uncertain significance for Hereditary cancer-predisposing syndrome. Last evaluated: 2025-10-22. Review status: criteria provided, single submitter. Criteria: Ambry Variant Classification Scheme 2023. Collection method: clinical testing. Allele origin: germline.
Comment: The p.S1240G variant (also known as c.3718A>G), located in coding exon 15 of the APC gene, results from an A to G substitution at nucleotide position 3718. The serine at codon 1240 is replaced by glycine, an amino acid with similar properties. This amino acid position is not well conserved in available vertebrate species. In addition, in silico predictors for this gene do not accurately predict pathogenicity. Since supporting evidence is limited at this time, the clinical significance of this alteration remains unclear.

Labcorp Genetics (formerly Invitae), Labcorp
Classification: Uncertain significance for Familial adenomatous polyposis 1. Last evaluated: 2024-05-26. Review status: criteria provided, single submitter. Criteria: Invitae Variant Classification Sherloc (09022015). Collection method: clinical testing. Allele origin: germline.
Comment: This sequence change replaces serine, which is neutral and polar, with glycine, which is neutral and non-polar, at codon 1240 of the APC protein (p.Ser1240Gly). This variant is not present in population databases (gnomAD no frequency). This variant has not been reported in the literature in individuals affected with APC-related conditions. ClinVar contains an entry for this variant (Variation ID: 537570). Advanced modeling of protein sequence and biophysical properties (such as structural, functional, and spatial information, amino acid conservation, physicochemical variation, residue mobility, and thermodynamic stability) performed at Invitae indicates that this missense variant is not expected to disrupt APC protein function with a negative predictive value of 95%. In summary, the available evidence is currently insufficient to determine the role of this variant in disease. Therefore, it has been classified as a Variant of Uncertain Significance.

Color Diagnostics, LLC DBA Color Health
Classification: Uncertain significance for Hereditary cancer-predisposing syndrome. Last evaluated: 2023-12-04. Review status: criteria provided, single submitter. Criteria: ACMG Guidelines, 2015. Collection method: clinical testing. Allele origin: germline.
Comment: This missense variant replaces serine with glycine at codon 1240 of the APC protein. Computational prediction suggests that this variant may not impact protein structure and function (internally defined REVEL score threshold <= 0.5, PMID: 27666373). To our knowledge, functional studies have not been reported for this variant. This variant has not been reported in individuals affected with APC-related disorders in the literature. This variant has not been identified in the general population by the Genome Aggregation Database (gnomAD). The available evidence is insufficient to determine the role of this variant in disease conclusively. Therefore, this variant is classified as a Variant of Uncertain Significance.

All of Us Research Program, National Institutes of Health
Classification: Uncertain significance for Classic or attenuated familial adenomatous polyposis. Last evaluated: 2023-11-15. Review status: criteria provided, single submitter. Criteria: ACMG Guidelines, 2015. Collection method: clinical testing. Allele origin: germline. Inheritance: Autosomal dominant inheritance. Observed: 1 variant allele, 1 heterozygote.
Comment: This study involves interpretation of variants in research participants for the purpose of population health screening. Participant phenotype was not available at the time of variant classification. Additional details can be found in publication PMID: 35346344, PMCID: PMC8962531